The following is an entry in ClinVar:

ClinVar aggregate classification (germline): Conflicting classifications of pathogenicity. Review status: criteria provided, conflicting classifications (1 of 4 stars). 2 submissions from 2 submitters: Uncertain significance (1); Likely benign (1). Last evaluated 2024-01-31.

Conditions:
Arthrogryposis, distal, with impaired proprioception and touch (DAIPT). Identifiers: MedGen C4310692, MONDO:0014941, OMIM 617146.

Allele frequency attached by ClinVar (database versions not stated): gnomAD 0.00001; TOPMed 0.00001; gnomAD exomes 0.00002 and 0.00005.
gnomAD v4.1: 13 of 1,536,642 alleles (0.00085%); highest among the groups gnomAD compares: Admixed American, 0.024%; no homozygotes.

Submissions (2):

Labcorp Genetics (formerly Invitae), Labcorp
Classification: Likely benign. Last evaluated: 2024-01-31. Review status: criteria provided, single submitter. Criteria: Invitae Variant Classification Sherloc (09022015). Collection method: clinical testing. Allele origin: germline.

Illumina Laboratory Services, Illumina
Classification: Uncertain significance for Arthrogryposis, distal, with impaired proprioception and touch. Last evaluated: 2020-08-03. Review status: criteria provided, single submitter. Criteria: ICSLVariantClassificationCriteria RUGD 01 April 2020. Collection method: clinical testing. Allele origin: unknown.
Comment: The PIEZO2 c.1389G>A (p.Glu463Glu) variant is a synonymous variant. A literature search was performed for the gene, cDNA change and amino acid information. No publications were found based on this search. The variant is reported at a frequency of 0.000245 in the Latino population from the Genome Aggregation Database. Based on the limited evidence, the p.Glu463Glu variant is classified as a variant of uncertain significance for distal arthrogryposis with impaired proprioception and touch.

NM_001378183.1(PIEZO2):c.1389G>A (p.Glu463=)

Gene: PIEZO2 (piezo type mechanosensitive ion channel component 2; minus strand). Cytogenetic location: 18p11.22.
Variant type: single nucleotide variant.
Coding change: c.1389G>A on transcript NM_001378183.1 (MANE Select); coding-DNA position 1389, G replaced by A.
Protein change: p.Glu463=; no amino-acid change (glutamic acid 463 retained).
Molecular consequence: synonymous variant.
Genome position (GRCh38, 1-based): chr18:10,797,512, C>T on the plus strand (G>A on the coding strand, the complement: PIEZO2 is on the minus strand). VCF-style: chr18-10797512-C-T. GRCh37 (hg19) VCF-style: chr18-10797510-C-T.
Other names: c.1389G>A, p.Glu463= (NM_022068.4).
Identifiers: ClinVar variation 989323 (VCV000989323.7), dbSNP rs1462312043, ClinGen allele CA502900555.